The following is an entry in ClinVar:

NM_001172509.2(SATB2):c.1648C>T (p.His550Tyr)

Gene: SATB2 (SATB homeobox 2; minus strand). Cytogenetic location: 2q33.1.
Variant type: single nucleotide variant.
Coding change: c.1648C>T on transcript NM_001172509.2 (MANE Select); coding-DNA position 1648, C replaced by T.
Protein change: p.His550Tyr; replaces histidine 550 with tyrosine.
Molecular consequence: missense variant.
Genome position (GRCh38, 1-based): chr2:199,308,852, G>A on the plus strand (C>T on the coding strand, the complement: SATB2 is on the minus strand). VCF-style: chr2-199308852-G-A. GRCh37 (hg19) VCF-style: chr2-200173575-G-A.
Other names: c.1648C>T, p.His550Tyr (NM_001172517.1, NM_015265.4); short protein forms H550Y.
Identifiers: ClinVar variation 3776662 (VCV003776662.1).

ClinVar aggregate classification (germline): Uncertain significance (1 of 4 stars; one submission).

Submission:

GeneDx
Classification: Uncertain significance. Last evaluated: 2024-10-04. Review status: criteria provided, single submitter. Criteria: GeneDx Variant Classification Process June 2021. Collection method: clinical testing. Allele origin: germline. Affected: yes.
Comment: Not observed at significant frequency in large population cohorts (gnomAD); In silico analysis indicates that this missense variant does not alter protein structure/function; Has not been previously published as pathogenic or benign to our knowledge